The following is an entry in ClinVar:

ClinVar aggregate classification (germline): Conflicting classifications of pathogenicity. Review status: criteria provided, conflicting classifications (1 of 4 stars). 5 submissions from 5 submitters: Uncertain significance (1); Benign (1); Likely benign (2). 1 of the submissions does not count toward it. Last evaluated 2026-01-17.

Conditions:
MBD5-related disorder. Also called: MBD5-related condition.
Inborn genetic diseases. Identifiers: MedGen C0950123, MeSH D030342.
Intellectual developmental disorder, autosomal dominant 1. Also called: MBD5 Haploinsufficiency; Intellectual disability, autosomal dominant 1. Identifiers: Orphanet 228402, MedGen C1969562, MONDO:0007974, OMIM 156200.

Allele frequency attached by ClinVar (database versions not stated): ExAC 0.00002; gnomAD exomes 0.00003 and 0.00004; ESP Exome Variant Server 0.00008; gnomAD 0.00023 and 0.00024; 1000 Genomes Project 30x 0.00031; 1000 Genomes Project 0.00040; TOPMed 0.00059.
gnomAD v4.1: 56 of 1,613,706 alleles (0.0035%); highest among the groups gnomAD compares: Admixed American, 0.078%; no homozygotes.

Submissions (5):

Labcorp Genetics (formerly Invitae), Labcorp
Classification: Benign for Intellectual developmental disorder, autosomal dominant 1. Last evaluated: 2026-01-17. Review status: criteria provided, single submitter. Criteria: Invitae Variant Classification Sherloc (09022015). Collection method: clinical testing. Allele origin: germline.

GeneDx
Classification: Likely benign. Last evaluated: 2020-11-03. Review status: criteria provided, single submitter. Criteria: GeneDx Variant Classification Process June 2021. Collection method: clinical testing. Allele origin: germline. Affected: yes.

Ambry Genetics
Classification: Likely benign for Inborn genetic diseases. Last evaluated: 2016-10-10. Review status: criteria provided, single submitter. Criteria: Ambry Variant Classification Scheme 2023. Collection method: clinical testing. Allele origin: germline.

Eurofins Ntd Llc (ga)
Classification: Uncertain significance. Last evaluated: 2015-02-20. Review status: criteria provided, single submitter. Criteria: EGL Classification Definitions 2015. Collection method: clinical testing. Allele origin: germline. Observed: 1 variant allele, 1 heterozygote.

PreventionGenetics, part of Exact Sciences
Classification: Likely benign for MBD5-related condition. Last evaluated: 2024-02-13. Review status: no assertion criteria provided. Collection method: clinical testing. Allele origin: germline. Not counted in ClinVar's aggregate classification.
Comment: This variant is classified as likely benign based on ACMG/AMP sequence variant interpretation guidelines (Richards et al. 2015 PMID: 25741868, with internal and published modifications).

NM_001378120.1(MBD5):c.69G>A (p.Val23=)

Gene: MBD5 (methyl-CpG binding domain protein 5; plus strand). Cytogenetic location: 2q23.1.
Variant type: single nucleotide variant.
Coding change: c.69G>A on transcript NM_001378120.1 (MANE Select); coding-DNA position 69, G replaced by A.
Protein change: p.Val23=; no amino-acid change (valine 23 retained).
Molecular consequence: synonymous variant.
Genome position (GRCh38, 1-based): chr2:148,458,827, G>A. VCF-style: chr2-148458827-G-A. GRCh37 (hg19) VCF-style: chr2-149216396-G-A.
Other names: c.69G>A, p.Val23= (NM_018328.5).
Identifiers: ClinVar variation 198228 (VCV000198228.25), dbSNP rs151204004, ClinGen allele CA246770.